The following is an entry in ClinVar:

NM_000051.4(ATM):c.2162T>C (p.Leu721Pro)

Gene: ATM (ATM serine/threonine kinase; plus strand). Cytogenetic location: 11q22.3.
Variant type: single nucleotide variant.
Coding change: c.2162T>C on transcript NM_000051.4 (MANE Select); coding-DNA position 2162, T replaced by C.
Protein change: p.Leu721Pro; replaces leucine 721 with proline.
Molecular consequence: missense variant.
Genome position (GRCh38, 1-based): chr11:108,256,252, T>C. VCF-style: chr11-108256252-T-C. GRCh37 (hg19) VCF-style: chr11-108126979-T-C.
Other names: c.2162T>C, p.Leu721Pro (NM_001351834.2); short protein forms L721P.
Identifiers: ClinVar variation 840120 (VCV000840120.7), dbSNP rs2080475582, ClinGen allele CA382538770.

ClinVar aggregate classification (germline): Uncertain significance (1 of 4 stars; one submission).

Conditions:
Ataxia-telangiectasia syndrome (AT). Also called: Ataxia-telangiectasia, complementation group D; AT, COMPLEMENTATION GROUP C; Ataxia telangiectasia (A-T); Cerebello-oculocutaneous telangiectasia; Immunodeficiency with ataxia telangiectasia; Ataxia-telangiectasia. Identifiers: Orphanet 100, MedGen C0004135, MONDO:0008840, OMIM 208900.

Submission:

Labcorp Genetics (formerly Invitae), Labcorp
Classification: Uncertain significance for Ataxia-telangiectasia syndrome. Last evaluated: 2024-05-20. Review status: criteria provided, single submitter. Criteria: Invitae Variant Classification Sherloc (09022015). Collection method: clinical testing. Allele origin: germline.
Comment: This sequence change replaces leucine, which is neutral and non-polar, with proline, which is neutral and non-polar, at codon 721 of the ATM protein (p.Leu721Pro). This variant is not present in population databases (gnomAD no frequency). This variant has not been reported in the literature in individuals affected with ATM-related conditions. ClinVar contains an entry for this variant (Variation ID: 840120). An algorithm developed to predict the effect of missense changes on protein structure and function (PolyPhen-2) suggests that this variant is likely to be disruptive. In summary, the available evidence is currently insufficient to determine the role of this variant in disease. Therefore, it has been classified as a Variant of Uncertain Significance.